The following is an entry in ClinVar:

NM_001360.3(DHCR7):c.433A>C (p.Ile145Leu)

Gene: DHCR7 (7-dehydrocholesterol reductase; minus strand). Cytogenetic location: 11q13.4.
Variant type: single nucleotide variant.
Coding change: c.433A>C on transcript NM_001360.3 (MANE Select); coding-DNA position 433, A replaced by C.
Protein change: p.Ile145Leu; replaces isoleucine 145 with leucine.
Molecular consequence: missense variant.
Genome position (GRCh38, 1-based): chr11:71,441,420, T>G on the plus strand (A>C on the coding strand, the complement: DHCR7 is on the minus strand). VCF-style: chr11-71441420-T-G. GRCh37 (hg19) VCF-style: chr11-71152466-T-G.
Other names: c.433A>C, p.Ile145Leu (NM_001163817.2); short protein forms I145L.
Identifiers: ClinVar variation 558625 (VCV000558625.16), dbSNP rs1555146475, ClinGen allele CA381694688.

ClinVar aggregate classification (germline): Pathogenic/Likely pathogenic. Review status: criteria provided, multiple submitters, no conflicts (2 of 4 stars). 5 submissions from 5 submitters: Pathogenic (2); Likely pathogenic (2). 1 of the submissions does not count toward it. Last evaluated 2025-12-16.

Conditions:
Smith-Lemli-Opitz syndrome (SLOS). Also called: POLYDACTYLY, SEX REVERSAL, RENAL HYPOPLASIA, AND UNILOBAR LUNG; RSH SYNDROME; RUTLEDGE LETHAL MULTIPLE CONGENITAL ANOMALY SYNDROME; 7-Dehydrocholesterol reductase deficiency; LETHAL ACRODYSGENITAL SYNDROME. Identifiers: Orphanet 818, MedGen C0175694, MONDO:0010035, OMIM 270400.

gnomAD v4.1: 1 of 1,613,468 alleles (0.000062%); highest among the groups gnomAD compares: Non-Finnish European, 0.000085%; no homozygotes.

Submissions (5):

Natera, Inc.
Classification: Likely pathogenic for Smith-Lemli-Opitz syndrome. Last evaluated: 2025-12-16. Review status: criteria provided, single submitter. Criteria: Natera Variant Classification Schema (03/2026). Collection method: clinical testing. Allele origin: germline.
Comment: The c.433A>C variant in DHCR7 is a missense variant predicted to cause substitution of isoleucine to leucine at amino acid 145. This variant is rare in the general population with a frequency below the threshold expected for the associated phenotype(s). This variant has been observed in one or more individuals affected with the associated recessive disease, as either homozygous or compound heterozygous with a second variant (PMID: 20556518, 33890232, 30925529, 23918729). Additionally, this variant has been observed to segregate in affected family members (PMID: 30925529). Computational prediction algorithms indicate this variant is likely to affect gene or protein function. Given the available evidence, this variant is classified as Likely Pathogenic.

Fulgent Genetics
Classification: Likely pathogenic for Smith-Lemli-Opitz syndrome. Last evaluated: 2024-01-09. Review status: criteria provided, single submitter. Criteria: ACMG Guidelines, 2015. Collection method: clinical testing. Allele origin: germline.

Labcorp Genetics (formerly Invitae), Labcorp
Classification: Pathogenic for Smith-Lemli-Opitz syndrome. Last evaluated: 2023-03-29. Review status: criteria provided, single submitter. Criteria: Invitae Variant Classification Sherloc (09022015). Collection method: clinical testing. Allele origin: germline.
Comment: For these reasons, this variant has been classified as Pathogenic. Advanced modeling of protein sequence and biophysical properties (such as structural, functional, and spatial information, amino acid conservation, physicochemical variation, residue mobility, and thermodynamic stability) has been performed at Invitae for this missense variant, however the output from this modeling did not meet the statistical confidence thresholds required to predict the impact of this variant on DHCR7 protein function. ClinVar contains an entry for this variant (Variation ID: 558625). This missense change has been observed in individual(s) with Smith-Lemli-Opitz syndrome (PMID: 15954111, 20556518). This variant is not present in population databases (gnomAD no frequency). This sequence change replaces isoleucine, which is neutral and non-polar, with leucine, which is neutral and non-polar, at codon 145 of the DHCR7 protein (p.Ile145Leu).

Dasa
Classification: Pathogenic for Smith-Lemli-Opitz syndrome. Last evaluated: 2022-06-10. Review status: criteria provided, single submitter. Criteria: ACMG Guidelines, 2015. Collection method: clinical testing. Allele origin: germline. Affected: yes. Observed: 1 variant allele.
Comment: The c.433A>C;p.(Ile145Leu) missense change has been observed in affected individual(s) (PMID: 20556518; 15954111; 30925529) - PS4. This variant is not present in population databases:rs1555146475, gnomAD; ABraOM no frequency) - PM2. The p.(Ile145Leu) was detected in trans with a Pathogenic variant (PMID: 20556518; 15954111; 30925529) - PM3_strong. The variant co-segregated with disease in multiple affected family members (PMID: 30925529) - PP1. In summary, the currently available evidence indicates that the variant is Pathogenic

Counsyl
Classification: Uncertain significance for Smith-Lemli-Opitz syndrome. Last evaluated: 2018-06-04. Review status: no assertion criteria provided. Collection method: clinical testing. Allele origin: unknown. Not counted in ClinVar's aggregate classification.

Literature cited by the submitters: PubMed 20556518 (cited by 4 submitters); PubMed 33890232 (cited by Natera, Inc.); PubMed 30925529 (cited by Natera, Inc. and Dasa); PubMed 23918729 (cited by Natera, Inc. and Counsyl); PubMed 15954111 (cited by Labcorp Genetics (formerly Invitae), Labcorp and Dasa).